The following is an entry in ClinVar:

ClinVar aggregate classification (germline): Pathogenic/Likely pathogenic. Review status: criteria provided, multiple submitters, no conflicts (2 of 4 stars). 8 submissions from 8 submitters: Pathogenic (2); Likely pathogenic (5). 1 of the submissions does not count toward it. Last evaluated 2025-12-23.

Conditions:
Dihydropyrimidine dehydrogenase deficiency (DPYDD). Also called: Hereditary Thymine-Uraciluria; DPD DEFICIENCY; DPYD DEFICIENCY. Identifiers: Orphanet 1675, MedGen C1959620, MONDO:0010130, OMIM 274270.

Allele frequency attached by ClinVar (database versions not stated): ExAC 0.00002; gnomAD exomes 0.00003; TOPMed 0.00003; gnomAD 0.00004 and 0.00005.
gnomAD v4.1: 42 of 1,612,168 alleles (0.0026%); highest among the groups gnomAD compares: Admixed American, 0.005%; no homozygotes.

Submissions (8):

GeneDx
Classification: Likely pathogenic. Last evaluated: 2025-12-23. Review status: criteria provided, single submitter. Criteria: GeneDx Variant Classification Process June 2021. Collection method: clinical testing. Allele origin: germline.
Comment: Reported in a patient with a suspected epilepsy syndrome (PMID: 29778030); Nonsense variant predicted to result in protein truncation or nonsense mediated decay in a gene for which loss of function is a known mechanism of disease; This variant is associated with the following publications: (PMID: 25087612, 29778030)

Baylor Genetics
Classification: Pathogenic for Dihydropyrimidine dehydrogenase deficiency. Last evaluated: 2023-05-05. Review status: criteria provided, single submitter. Criteria: ACMG Guidelines, 2015. Collection method: clinical testing. Allele origin: unknown.

Genome-Nilou Lab
Classification: Likely pathogenic for Dihydropyrimidine dehydrogenase deficiency. Last evaluated: 2023-04-11. Review status: criteria provided, single submitter. Criteria: ACMG Guidelines, 2015. Collection method: clinical testing. Allele origin: germline. Affected: no.

Women's Health and Genetics/Laboratory Corporation of America, LabCorp
Classification: Likely pathogenic for Dihydropyrimidine dehydrogenase deficiency. Last evaluated: 2023-03-21. Review status: criteria provided, single submitter. Criteria: LabCorp Variant Classification Summary - May 2015. Collection method: clinical testing. Allele origin: germline.
Comment: Variant summary: DPYD c.2275C>T (p.Arg759X) results in a premature termination codon, predicted to cause a truncation of the encoded protein or absence of the protein due to nonsense mediated decay, which are commonly known mechanisms for disease. Truncations downstream of this position have been classified as pathogenic by our laboratory. The variant allele was found at a frequency of 2.8e-05 in 250742 control chromosomes. c.2275C>T has been reported in the literature, however with limited phenotypic information (e.g. Hesse_2018). This report does not provide unequivocal conclusions about association of the variant with Dihydropyrimidine Dehydrogenase Deficiency. To our knowledge, no experimental evidence demonstrating an impact on protein function has been reported. Three clinical diagnostic laboratories have submitted clinical-significance assessments for this variant to ClinVar after 2014 without evidence for independent evaluation. All laboratories classified the variant as pathogenic/likely pathogenic. Based on the evidence outlined above, the variant was classified as likely pathogenic.

Fulgent Genetics
Classification: Pathogenic for Dihydropyrimidine dehydrogenase deficiency. Last evaluated: 2018-10-31. Review status: criteria provided, single submitter. Criteria: ACMG Guidelines, 2015. Collection method: clinical testing. Allele origin: unknown.

Genetic Services Laboratory, University of Chicago
Classification: Likely pathogenic. Last evaluated: 2017-10-26. Review status: criteria provided, single submitter. Criteria: ACMG Guidelines, 2015. Collection method: clinical testing. Allele origin: germline. Affected: yes.

Juno Genomics, Hangzhou Juno Genomics, Inc
Classification: Likely pathogenic for Dihydropyrimidine dehydrogenase deficiency. Review status: criteria provided, single submitter. Criteria: ACMG Guidelines, 2015. Collection method: clinical testing. Allele origin: germline.
Comment: Absent from controls (or at extremely low frequency if recessive) in Genome Aggregation Database.;Null variant in a gene where loss of function (LOF) is a known mechanism of disease.

Counsyl
Classification: Likely pathogenic for Dihydropyrimidine dehydrogenase deficiency. Last evaluated: 2016-04-06. Review status: no assertion criteria provided. Collection method: clinical testing. Allele origin: unknown. Not counted in ClinVar's aggregate classification.

Literature cited by the submitters: PubMed 25087612 (cited by Women's Health and Genetics/Laboratory Corporation of America, LabCorp); PubMed 29778030 (cited by Women's Health and Genetics/Laboratory Corporation of America, LabCorp).

NM_000110.4(DPYD):c.2275C>T (p.Arg759Ter)

Genes: DPYD (dihydropyrimidine dehydrogenase; minus strand), DPYD-AS1 (DPYD antisense RNA 1; plus strand). Cytogenetic location: 1p21.3.
Variant type: single nucleotide variant.
Coding change: c.2275C>T on transcript NM_000110.4 (MANE Select); coding-DNA position 2275, C replaced by T.
Protein change: p.Arg759Ter; replaces arginine 759 with a stop codon.
Molecular consequence: nonsense.
Genome position (GRCh38, 1-based): chr1:97,305,283, G>A on the plus strand (C>T on the coding strand, the complement: DPYD is on the minus strand). VCF-style: chr1-97305283-G-A. GRCh37 (hg19) VCF-style: chr1-97770839-G-A.
Other names: short protein forms R759*.
Identifiers: ClinVar variation 370760 (VCV000370760.18), dbSNP rs759372918, ClinGen allele CA963083.